The following is an entry in ClinVar:

NM_000350.3(ABCA4):c.3970del (p.Ala1324fs)

Gene: ABCA4 (ATP binding cassette subfamily A member 4; minus strand). Cytogenetic location: 1p22.1.
Variant type: Deletion.
Coding change: c.3970del on transcript NM_000350.3 (MANE Select); coding-DNA position 3970, one base deleted (G; older notation c.3970delG).
Protein change: p.Ala1324fs; shifts the reading frame from alanine 1324.
Molecular consequence: frameshift variant.
Genome position (GRCh38, 1-based): chr1:94,031,936, C deleted on the plus strand (G on the coding strand, the reverse complement: ABCA4 is on the minus strand); the first of 4 consecutive C bases (chr1:94,031,936-94,031,939); deleting any one gives the same sequence. VCF-style (leftmost placement, unchanged base first): chr1-94031935-GC-G. GRCh37 (hg19) VCF-style: chr1-94497491-GC-G.
Other names: c.3745delG, p.Ala1250Argfs (NM_001425324.1); short protein forms A1324fs.
Identifiers: ClinVar variation 854504 (VCV000854504.10), dbSNP rs1660217584, ClinGen allele CA645372194.

ClinVar aggregate classification (germline): Pathogenic. Review status: criteria provided, multiple submitters, no conflicts (2 of 4 stars). 2 submissions from 2 submitters: Pathogenic (2). Last evaluated 2024-01-19.

Conditions:
ABCA4-related disorder. Also called: ABCA4-related condition; ABCA4-related disorders. Identifiers: MedGen CN239167.

Submissions (2):

Blueprint Genetics
Classification: Pathogenic for ABCA4-related disorders. Last evaluated: 2024-01-19. Review status: criteria provided, single submitter. Criteria: ACMG Guidelines, 2015. Collection method: clinical testing. Allele origin: germline. Affected: yes. Observed: 1 variant allele.

Labcorp Genetics (formerly Invitae), Labcorp
Classification: Pathogenic. Last evaluated: 2023-05-15. Review status: criteria provided, single submitter. Criteria: Invitae Variant Classification Sherloc (09022015). Collection method: clinical testing. Allele origin: germline.
Comment: This sequence change creates a premature translational stop signal (p.Ala1324Argfs*65) in the ABCA4 gene. It is expected to result in an absent or disrupted protein product. Loss-of-function variants in ABCA4 are known to be pathogenic (PMID: 10958761, 24938718, 25312043, 26780318). This variant is not present in population databases (gnomAD no frequency). This premature translational stop signal has been observed in individual(s) with Stargardt disease (PMID: 15192030, 18652558, 30060493). ClinVar contains an entry for this variant (Variation ID: 854504). For these reasons, this variant has been classified as Pathogenic.

Literature cited by the submitters: PubMed 10958761 (cited by Labcorp Genetics (formerly Invitae), Labcorp); PubMed 24938718 (cited by Labcorp Genetics (formerly Invitae), Labcorp); PubMed 25312043 (cited by Labcorp Genetics (formerly Invitae), Labcorp); PubMed 26780318 (cited by Labcorp Genetics (formerly Invitae), Labcorp); PubMed 15192030 (cited by Labcorp Genetics (formerly Invitae), Labcorp); PubMed 18652558 (cited by Labcorp Genetics (formerly Invitae), Labcorp); PubMed 30060493 (cited by Labcorp Genetics (formerly Invitae), Labcorp).